The following is an entry in ClinVar:

NM_001267550.2(TTN):c.77650G>A (p.Glu25884Lys)

Genes: TTN (titin; minus strand), TTN-AS1 (TTN antisense RNA 1; plus strand). Cytogenetic location: 2q31.2.
Variant type: single nucleotide variant.
Coding change: c.77650G>A on transcript NM_001267550.2 (MANE Select); coding-DNA position 77650, G replaced by A.
Protein change: p.Glu25884Lys; replaces glutamic acid 25884 with lysine.
Molecular consequence: missense variant.
Genome position (GRCh38, 1-based): chr2:178,568,482, C>T on the plus strand (G>A on the coding strand, the complement: TTN is on the minus strand). VCF-style: chr2-178568482-C-T. GRCh37 (hg19) VCF-style: chr2-179433209-C-T.
Other names: c.72727G>A, p.Glu24243Lys (NM_001256850.1); c.50455G>A, p.Glu16819Lys (NM_003319.4); c.69946G>A, p.Glu23316Lys (NM_133378.4); c.50830G>A, p.Glu16944Lys (NM_133432.3); c.51031G>A, p.Glu17011Lys (NM_133437.4); short protein forms E16819K, E16944K, E17011K, E23316K, E24243K, E25884K.
Identifiers: ClinVar variation 4821466 (VCV004821466.4).

ClinVar aggregate classification (germline): Uncertain significance (1 of 4 stars; one submission).

gnomAD v4.1: 34 of 1,613,236 alleles (0.0021%); highest among the groups gnomAD compares: South Asian, 0.0044%; no homozygotes.

Submission:

CeGaT Center for Human Genetics Tuebingen
Classification: Uncertain significance. Last evaluated: 2026-03-01. Review status: criteria provided, single submitter. Criteria: CeGaT Center For Human Genetics Tuebingen Variant Classification Criteria Version 2. Collection method: clinical testing. Allele origin: germline. Affected: yes. Observed: 1 variant allele.
Comment: TTN: PM2